The following is an entry in ClinVar:

ClinVar aggregate classification (germline): Likely pathogenic (1 of 4 stars; one submission).

Conditions:
Intellectual disability, autosomal recessive 53 (NEDHSCA). Also called: NEURODEVELOPMENTAL DISORDER WITH OR WITHOUT HYPOTONIA, SEIZURES, AND CEREBELLAR ATROPHY; GLYCOSYLPHOSPHATIDYLINOSITOL BIOSYNTHESIS DEFECT 13; Mental retardation, autosomal recessive 53. Identifiers: Orphanet 488635, MedGen C4310794, MONDO:0014832, OMIM 616917.

Allele frequency attached by ClinVar (database versions not stated): gnomAD exomes below 0.00001; TOPMed below 0.00001.
gnomAD v4.1: 1 of 1,513,476 alleles (0.000066%); highest among the groups gnomAD compares: African/African-American, 0.0014%; no homozygotes.

Submission:

Labcorp Genetics (formerly Invitae), Labcorp
Classification: Likely pathogenic for Intellectual disability, autosomal recessive 53. Last evaluated: 2022-12-20. Review status: criteria provided, single submitter. Criteria: Invitae Variant Classification Sherloc (09022015). Collection method: clinical testing. Allele origin: germline.
Comment: This variant has not been reported in the literature in individuals affected with PIGG-related conditions. In summary, the currently available evidence indicates that the variant is pathogenic, but additional data are needed to prove that conclusively. Therefore, this variant has been classified as Likely Pathogenic. Algorithms developed to predict the effect of sequence changes on RNA splicing suggest that this variant may disrupt the consensus splice site. This variant is not present in population databases (gnomAD no frequency). This sequence change affects a donor splice site in intron 9 of the PIGG gene. It is expected to disrupt RNA splicing. Variants that disrupt the donor or acceptor splice site typically lead to a loss of protein function (PMID: 16199547), and loss-of-function variants in PIGG are known to be pathogenic (PMID: 26996948, 28581210, 28771251).

Literature cited by the submitters: PubMed 16199547; PubMed 26996948; PubMed 28581210; PubMed 28771251.

NM_001127178.3(PIGG):c.2069+2T>G

Gene: PIGG (phosphatidylinositol glycan anchor biosynthesis class G (EMM blood group); plus strand). Cytogenetic location: 4p16.3.
Variant type: single nucleotide variant.
Coding change: c.2069+2T>G on transcript NM_001127178.3 (MANE Select); the canonical splice donor site of the intron after coding-DNA position 2069, T replaced by G.
Molecular consequence: splice donor variant.
Genome position (GRCh38, 1-based): chr4:523,915, T>G. VCF-style: chr4-523915-T-G. GRCh37 (hg19) VCF-style: chr4-517704-T-G.
Other names: c.971+2T>G (NM_001345994.2); c.1802+2T>G (NM_001345986.2, NM_001289051.2); c.1778+2T>G (NM_001345987.2); c.536+2T>G (NM_001345991.2, NM_001345990.2); c.1040+2T>G (NM_001345988.2); c.2045+2T>G (NM_017733.5); c.1670+2T>G (NM_001289052.2).
Identifiers: ClinVar variation 2822628 (VCV002822628.3), dbSNP rs1726823468, ClinGen allele CA355908076.
Genomic context (GRCh38, chr4:523,915, plus strand): 5'-CTAAACCAGACAGGTGTGCAGTGGGCTCACCGGCCTGACCTCGGCCACTGGCTCACCAGG[T>G]GAGAGCGTAGGCCCGTGGCCACAGGCCAGACTTTCTACGGCCGATTGGTCACCTGCCAAG-3'